The following is an entry in ClinVar:

ClinVar aggregate classification (germline): Pathogenic/Likely pathogenic. Review status: criteria provided, multiple submitters, no conflicts (2 of 4 stars). 11 submissions from 11 submitters: Pathogenic (4); Likely pathogenic (7). Last evaluated 2026-07-07.

Conditions:
MCCC2-related disorder. Also called: MCCC2-related condition.
Inborn genetic diseases. Identifiers: MedGen C0950123, MeSH D030342.
Methylcrotonyl-CoA carboxylase deficiency. Also called: Deficiency of methylcrotonoyl-CoA carboxylase; 3-MCC Deficiency; 3 Methylcrotonylglycinuria. Identifiers: Orphanet 6, MedGen C4551505, MONDO:0018950.
3-methylcrotonyl-CoA carboxylase 2 deficiency. Also called: METHYLCROTONYLGLYCINURIA, TYPE II; 3 alpha methylcrotonyl-CoA carboxylase 2 deficiency; 3 alpha methylcrotonylglycinuria 2; MCC 2 deficiency; Methylcrotonylglycinuria type 2. Identifiers: Orphanet 6, MedGen C1859499, MONDO:0008862, OMIM 210210.

Allele frequency attached by ClinVar (database versions not stated): gnomAD 0.00011; TOPMed 0.00016; ExAC 0.00024; gnomAD exomes 0.00036.
gnomAD v4.1: 119 of 1,613,268 alleles (0.0074%); highest among the groups gnomAD compares: Admixed American, 0.19%; no homozygotes.

Submissions (11):

PreventionGenetics, part of Exact Sciences
Classification: Likely pathogenic for MCCC2-related condition. Last evaluated: 2026-07-07. Review status: criteria provided, single submitter. Criteria: ACMG Guidelines, 2015. Collection method: clinical testing. Allele origin: germline.
Comment: The MCCC2 c.1065A>T variant is predicted to result in the amino acid substitution p.Leu355Phe. This variant has been reported in the homozygous and compound heterozygous states in multiple apparently unrelated individuals with enzymatically confirmed 3-methylcrotonyl-CoA carboxylase deficiency, though it should be noted that two of these patients were asymptomatic adults (Nguyen et al. 2011. PubMed ID: 21071250; Shepard et al. 2014. PubMed ID: 25356967; Cook et al. 2023. PubMed ID: 38146699). At PreventionGenetics, this variant has been observed in the homozygous and compound heterozygous states in at least two individuals undergoing testing for 3-methylcrotonyl-CoA carboxylase deficiency (Internal Data). This variant is reported in 0.26% of alleles in individuals of Latino descent in gnomAD and is interpreted as likely pathogenic/pathogenic by multiple independent submitters to ClinVar (Variation ID: 203806). Taken together, this variant is interpreted as likely pathogenic.

Labcorp Genetics (formerly Invitae), Labcorp
Classification: Pathogenic for 3-methylcrotonyl-CoA carboxylase 2 deficiency. Last evaluated: 2026-01-21. Review status: criteria provided, single submitter. Criteria: Invitae Variant Classification Sherloc (09022015). Collection method: clinical testing. Allele origin: germline.
Comment: This sequence change replaces leucine, which is neutral and non-polar, with phenylalanine, which is neutral and non-polar, at codon 355 of the MCCC2 protein (p.Leu355Phe). This variant is present in population databases (rs757052602, gnomAD 0.3%). This missense change has been observed in individual(s) with 3-methylcrotonylglycinuria (PMID: 21071250, 25356967; internal data). ClinVar contains an entry for this variant (Variation ID: 203806). Invitae Evidence Modeling of protein sequence and biophysical properties (such as structural, functional, and spatial information, amino acid conservation, physicochemical variation, residue mobility, and thermodynamic stability) indicates that this missense variant is expected to disrupt MCCC2 protein function with a positive predictive value of 80%. For these reasons, this variant has been classified as Pathogenic.

Natera, Inc.
Classification: Likely pathogenic for 3-methylcrotonyl-CoA carboxylase 2 deficiency. Last evaluated: 2025-09-15. Review status: criteria provided, single submitter. Criteria: Natera Variant Classification Schema (03/2026). Collection method: clinical testing. Allele origin: germline.
Comment: The c.1065A>T variant in MCCC2 is a missense variant predicted to cause substitution of leucine to phenylalanine at amino acid 355. This variant is rare in the general population with a frequency below the threshold expected for the associated phenotype(s). This variant has been observed in one or more individuals affected with the associated recessive disease, as either homozygous or compound heterozygous with a second variant (PMID: 25356967, 21071250, 27033733). This variant has been identified in one or more affected individual with a phenotype highly consistent with the associated gene (PMID: 21071250). Computational prediction algorithms indicate this variant is likely to affect gene or protein function. Given the available evidence, this variant is classified as Likely Pathogenic.

Ambry Genetics
Classification: Pathogenic for Inborn genetic diseases. Last evaluated: 2025-04-08. Review status: criteria provided, single submitter. Criteria: Ambry Variant Classification Scheme 2023. Collection method: clinical testing. Allele origin: germline.
Comment: The c.1065A>T (p.L355F) alteration is located in exon 11 (coding exon 11) of the MCCC2 gene. This alteration results from a A to T substitution at nucleotide position 1065, causing the leucine (L) at amino acid position 355 to be replaced by a phenylalanine (F). Based on data from gnomAD, the T allele has an overall frequency of 0.036% (90/251280) total alleles studied. The highest observed frequency was 0.257% (89/34574) of Latino alleles. This alteration has been detected in the homozygous state and/or in conjunction with other MCCC2 variant(s) in multiple unrelated individuals with 3-methylcrotonyl-CoA carboxylase deficiency (Nguyen, 2011; Forsyth, 2016; Cook, 2024) This amino acid position is highly conserved in available vertebrate species. This alteration is predicted to be deleterious by in silico analysis. Based on the available evidence, this alteration is classified as pathogenic.

Greenwood Genetic Center Diagnostic Laboratories, Greenwood Genetic Center
Classification: Likely pathogenic for 3-methylcrotonyl-CoA carboxylase 2 deficiency. Last evaluated: 2024-09-16. Review status: criteria provided, single submitter. Criteria: ACMG Guidelines, 2015. Collection method: clinical testing. Allele origin: germline. Affected: yes.
Comment: PS3_Moderate, PM3_Strong

Fulgent Genetics
Classification: Likely pathogenic for 3-methylcrotonyl-CoA carboxylase 2 deficiency. Last evaluated: 2024-06-24. Review status: criteria provided, single submitter. Criteria: ACMG Guidelines, 2015. Collection method: clinical testing. Allele origin: germline.

Laboratory for Molecular Medicine, Mass General Brigham Personalized Medicine
Classification: Likely pathogenic for Methylcrotonyl-CoA carboxylase deficiency. Last evaluated: 2024-01-02. Review status: criteria provided, single submitter. Criteria: ACMG Guidelines, 2015. Collection method: clinical testing. Allele origin: germline. Inheritance: Autosomal recessive inheritance.
Comment: The p.Leu355Phe variant in MCCC2 has been reported in the homozygous state in at least 9 individuals and in the compound heterozygote state with another pathogenic variant in MCCC2 in 2 individuals with 3-methylcrotonyl-CoA (MCC) deficiency or a positive newborn screen (Nguyen 2011 PMID: 21071250, Shepard 2015 PMID: 25356967, Forsyth 2016 PMID: 27033733, GeneDx pers. comm., Invitae pers. comm.). Most of these individuals were typically asymptomatic at the time of testing, however had MCC deficiency determined by biochemical analyses. This variant has also been reported by other clinical laboratories in ClinVar (Variation ID 203806) and has been identified in 0.085% (13/15282) of Latino chromosomes by gnomAD (v.3.1.2). Computational prediction tools and conservation analyses suggest that this variant may impact the protein. In summary, although additional studies are required to fully establish its clinical significance, this variant meets criteria to be classified as likely pathogenic for autosomal recessive MCC deficiency. ACMG/AMP Criteria applied: PM3_Strong, PM2_Supporting, PP3, PP4.

Revvity Omics, Revvity
Classification: Likely pathogenic for 3-methylcrotonyl-CoA carboxylase 2 deficiency. Last evaluated: 2023-07-25. Review status: criteria provided, single submitter. Criteria: ACMG Guidelines, 2015. Collection method: clinical testing. Allele origin: germline.

Women's Health and Genetics/Laboratory Corporation of America, LabCorp
Classification: Pathogenic for Methylcrotonyl-CoA carboxylase deficiency. Last evaluated: 2021-11-23. Review status: criteria provided, single submitter. Criteria: LabCorp Variant Classification Summary - May 2015. Collection method: clinical testing. Allele origin: germline.
Comment: Variant summary: MCCC2 c.1065A>T (p.Leu355Phe) results in a non-conservative amino acid change located in the Acetyl-coenzyme A carboxyltransferase, C-terminal domain (IPR011763) of the encoded protein sequence. Five of five in-silico tools predict a damaging effect of the variant on protein function. The variant allele was found at a frequency of 0.00036 in 251280 control chromosomes. This frequency is not significantly higher than expected for a pathogenic variant in MCCC2 causing Methylcrotonyl-CoA Carboxylase Deficiency (0.00036 vs 0.0042), allowing no conclusion about variant significance. c.1065A>T has been reported in the literature as a homozygous genotype in multiple individuals affected with Methylcrotonyl-CoA Carboxylase Deficiency with characteristic biochemical profiles, namely, elevated excretion of 3-hydroxyisovaleric acid (3-HIVA), 3-methylcrotonylglycine (3-MCG) and also subsequently cited by others (example, Nguyen_2011, Grunert_2012, Adhikari_2020, Shepard_2015, Fonseca_2016). These data indicate that the variant is very likely to be associated with disease. At least one publication reports experimental evidence evaluating an impact on protein function. The most pronounced variant effect results in 10%-<30% of normal MCC enzyme activity in a homozygous individual. Four clinical diagnostic laboratories have submitted clinical-significance assessments for this variant to ClinVar after 2014 without evidence for independent evaluation. All laboratories classified the variant as pathogenic/likely pathogenic. Based on the evidence outlined above, the variant was classified as pathogenic.

GeneDx
Classification: Pathogenic. Last evaluated: 2021-04-01. Review status: criteria provided, single submitter. Criteria: GeneDx Variant Classification Process June 2021. Collection method: clinical testing. Allele origin: germline. Affected: yes.
Comment: In silico analysis supports that this missense variant has a deleterious effect on protein structure/function; This variant is associated with the following publications: (PMID: 25356967, 22642865, 27033733, 21071250)

Eurofins Ntd Llc (ga)
Classification: Likely pathogenic. Last evaluated: 2017-10-17. Review status: criteria provided, single submitter. Criteria: EGL Classification Definitions 2015. Collection method: clinical testing. Allele origin: germline. Observed: 4 variant alleles, 3 heterozygotes, 1 homozygote.

Literature cited by the submitters: PubMed 21071250 (cited by 6 submitters); PubMed 25356967 (cited by 5 submitters); PubMed 27033733 (cited by 3 submitters); PubMed 38146699 (cited by Ambry Genetics); PubMed 32778825 (cited by Women's Health and Genetics/Laboratory Corporation of America, LabCorp); PubMed 27601257 (cited by Women's Health and Genetics/Laboratory Corporation of America, LabCorp); PubMed 22642865 (cited by Women's Health and Genetics/Laboratory Corporation of America, LabCorp).

NM_022132.5(MCCC2):c.1065A>T (p.Leu355Phe)

Gene: MCCC2 (methylcrotonyl-CoA carboxylase subunit 2; plus strand). Cytogenetic location: 5q13.2.
Variant type: single nucleotide variant.
Coding change: c.1065A>T on transcript NM_022132.5 (MANE Select); coding-DNA position 1065, A replaced by T.
Protein change: p.Leu355Phe; replaces leucine 355 with phenylalanine.
Molecular consequence: missense variant.
Genome position (GRCh38, 1-based): chr5:71,641,068, A>T. VCF-style: chr5-71641068-A-T. GRCh37 (hg19) VCF-style: chr5-70936895-A-T.
Other names: p.L355F:TTA>TTT; c.951A>T, p.Leu317Phe (NM_001363147.1); short protein forms L355F, L317F.
Identifiers: ClinVar variation 203806 (VCV000203806.37), dbSNP rs757052602, ClinGen allele CA312689.
Genomic context (GRCh38, chr5:71,641,068, plus strand): 5'-TGCTAGAATCGTGGATGGAAGCAGATTCACTGAGTTCAAAGCCTTTTATGGAGACACATT[A>T]GTTACAGGTATAAAGGTGAAGAATTGAAAATACGAACATTTTCTGCTGCTTTGAAAATCA-3'
Protein context (NP_071415.1, residues 345-365): TEFKAFYGDT[Leu355Phe]VTGFARIFGY